The following is an entry in ClinVar:

ClinVar aggregate classification (germline): Conflicting classifications of pathogenicity. Review status: criteria provided, conflicting classifications (1 of 4 stars). 2 submissions from 2 submitters: Likely pathogenic (1); Uncertain significance (1). Last evaluated 2024-10-25.

Conditions:
Hereditary cancer-predisposing syndrome. Also called: Tumor predisposition; Neoplastic Syndromes, Hereditary; Hereditary Cancer Syndrome; Hereditary neoplastic syndrome. Identifiers: Orphanet 140162, MedGen C0027672, MeSH D009386, MONDO:0015356.

Submissions (2):

Ambry Genetics
Classification: Likely pathogenic for Hereditary cancer-predisposing syndrome. Last evaluated: 2024-10-25. Review status: criteria provided, single submitter. Criteria: Ambry Variant Classification Scheme 2023. Collection method: clinical testing. Allele origin: germline.
Comment: The c.375G>C variant (also known as p.E125D), located in coding exon 5 of the BAP1 gene, results from a G to C substitution at nucleotide position 375. The amino acid change results in glutamic acid to aspartic acid at codon 125, an amino acid with highly similar properties. This alteration has been identified in individuals with personal and/or family history of BAP1-associated disease (Ambry internal data; Van de Nes JA et al., Am J Surg Pathol 2016 Jun;40(6):796-805). This alteration was non-functional in a high throughput genome editing haploid cell survival assay (Waters AJ et al. Nat Genet 2024 Jul;56(7):1434-1445). This change occurs in the last base pair of coding exon 5, which makes it likely to have some effect on normal mRNA splicing. This nucleotide position is well conserved in available vertebrate species. In silico splice site analysis predicts that this alteration will weaken the native splice donor site; however, direct evidence is insufficient at this time (Ambry internal data). This amino acid position is highly conserved in available vertebrate species. In addition, the in silico prediction for this alteration is inconclusive. Based on the majority of available evidence to date, this variant is likely to be pathogenic.

Blueprint Genetics
Classification: Uncertain significance. Last evaluated: 2023-12-21. Review status: criteria provided, single submitter. Criteria: ACMG Guidelines, 2015. Collection method: clinical testing. Allele origin: germline.

Literature cited by the submitters: PubMed 27015033 (cited by Ambry Genetics); PubMed 38969833 (cited by Ambry Genetics).

NM_004656.4(BAP1):c.375G>C (p.Glu125Asp)

Gene: BAP1 (BRCA1 associated deubiquitinase 1; minus strand). Cytogenetic location: 3p21.1.
Variant type: single nucleotide variant.
Coding change: c.375G>C on transcript NM_004656.4 (MANE Select); coding-DNA position 375, G replaced by C.
Protein change: p.Glu125Asp; replaces glutamic acid 125 with aspartic acid.
Molecular consequence: missense variant.
Genome position (GRCh38, 1-based): chr3:52,407,958, C>G on the plus strand (G>C on the coding strand, the complement: BAP1 is on the minus strand). VCF-style: chr3-52407958-C-G. GRCh37 (hg19) VCF-style: chr3-52441974-C-G.
Other names: c.375G>C, p.Glu125Asp (NM_001410772.1); short protein forms E125D.
Identifiers: ClinVar variation 3477532 (VCV003477532.2).
Genomic context (GRCh38, chr3:52,407,958, plus strand): 5'-GCCCTCAGGGTCAGATCTGCCCAGTTGGCTGTGAGCCAGGATGAAGGCACTGCAGCCTAC[C>G]TCAGGGCTGAAACCCTTGGTGAAGTCCTTCATGCGACTCAGGGTGGGTCCCAGGTCCACG-3'
Protein context (NP_004647.1, residues 115-135): MKDFTKGFSP[Glu125Asp]SKGYAIGNAP